The following is an entry in ClinVar:

NM_000038.6(APC):c.2160G>A (p.Met720Ile)

Gene: APC (APC regulator of Wnt signaling pathway; plus strand). Cytogenetic location: 5q22.2.
Variant type: single nucleotide variant.
Coding change: c.2160G>A on transcript NM_000038.6 (MANE Select); coding-DNA position 2160, G replaced by A.
Protein change: p.Met720Ile; replaces methionine 720 with isoleucine.
Molecular consequence: missense variant.
Genome position (GRCh38, 1-based): chr5:112,837,754, G>A. VCF-style: chr5-112837754-G-A. GRCh37 (hg19) VCF-style: chr5-112173451-G-A.
Other names: c.2160G>A, p.Met720Ile (NM_001127510.3, NM_001354895.2); c.2106G>A, p.Met702Ile (NM_001127511.3); c.2214G>A, p.Met738Ile (NM_001354896.2); c.2190G>A, p.Met730Ile (NM_001354897.2); c.2085G>A, p.Met695Ile (NM_001354898.2); c.2076G>A, p.Met692Ile (NM_001354899.2); c.2037G>A, p.Met679Ile (NM_001354900.2); c.1983G>A, p.Met661Ile (NM_001354901.2); and 5 more; short protein forms M702I, M720I, M629I, M437I, M594I, M661I, M730I, M738I.
Identifiers: ClinVar variation 469731 (VCV000469731.17), dbSNP rs1283428855, ClinGen allele CA16026060.

ClinVar aggregate classification (germline): Uncertain significance. Review status: criteria provided, multiple submitters, no conflicts (2 of 4 stars). 3 submissions from 3 submitters: Uncertain significance (3). Last evaluated 2023-12-18.

Conditions:
Hereditary cancer-predisposing syndrome. Also called: Tumor predisposition; Hereditary neoplastic syndrome; Neoplastic Syndromes, Hereditary; Hereditary Cancer Syndrome. Identifiers: Orphanet 140162, MedGen C0027672, MeSH D009386, MONDO:0015356.
Gastric cancer. Also called: Stomach cancer; Malignant tumor of stomach. Identifiers: MedGen C0024623, MeSH D013274, MONDO:0001056, OMIM 613659, HP:0012126.
Colorectal cancer. Also called: Colorectal cancer, somatic; Malignant Colorectal Neoplasm. Identifiers: MedGen C0346629, MONDO:0005575, OMIM 114500.
Familial adenomatous polyposis 1 (FAP1). Also called: FAMILIAL ADENOMATOUS POLYPOSIS 1, ATTENUATED; POLYPOSIS, ADENOMATOUS INTESTINAL. Identifiers: MedGen C2713442, MONDO:0021056, OMIM 175100. Disease mechanism: loss of function.
Hepatocellular carcinoma (HCC). Also called: Primary carcinoma of liver; HEPATOMA; LIVER CELL CARCINOMA. Identifiers: Orphanet 88673, MedGen C2239176, MONDO:0007256, OMIM 114550, HP:0001402.
Desmoid disease, hereditary (DESMD). Also called: FIBROMATOSIS, FAMILIAL INFILTRATIVE. Identifiers: Orphanet 873, MedGen C1851124, OMIM 135290. Disease mechanism: loss of function.
Gastric adenocarcinoma and proximal polyposis of the stomach (GAPPS). Also called: Polyposis, gastric, Dos Santos and de Magalhaes 1980; POLYPOSIS, GASTRIC; Gastric Adenocarcinoma and Proximal Polyposis of the Stomach (GAPPS). Identifiers: Orphanet 314022, MedGen C4749917, MONDO:0017790, OMIM 619182.

Allele frequency attached by ClinVar (database versions not stated): TOPMed below 0.00001.

Submissions (3):

Labcorp Genetics (formerly Invitae), Labcorp
Classification: Uncertain significance for Familial adenomatous polyposis 1. Last evaluated: 2023-12-18. Review status: criteria provided, single submitter. Criteria: Invitae Variant Classification Sherloc (09022015). Collection method: clinical testing. Allele origin: germline.
Comment: This sequence change replaces methionine, which is neutral and non-polar, with isoleucine, which is neutral and non-polar, at codon 720 of the APC protein (p.Met720Ile). This variant is not present in population databases (gnomAD no frequency). This variant has not been reported in the literature in individuals affected with APC-related conditions. ClinVar contains an entry for this variant (Variation ID: 469731). Advanced modeling of protein sequence and biophysical properties (such as structural, functional, and spatial information, amino acid conservation, physicochemical variation, residue mobility, and thermodynamic stability) performed at Invitae indicates that this missense variant is not expected to disrupt APC protein function with a negative predictive value of 95%. In summary, the available evidence is currently insufficient to determine the role of this variant in disease. Therefore, it has been classified as a Variant of Uncertain Significance.

Ambry Genetics
Classification: Uncertain significance for Hereditary cancer-predisposing syndrome. Last evaluated: 2023-11-15. Review status: criteria provided, single submitter. Criteria: Ambry Variant Classification Scheme 2023. Collection method: clinical testing. Allele origin: germline.
Comment: The p.M720I variant (also known as c.2160G>A), located in coding exon 15 of the APC gene, results from a G to A substitution at nucleotide position 2160. The methionine at codon 720 is replaced by isoleucine, an amino acid with highly similar properties. This amino acid position is highly conserved in available vertebrate species. In addition, in silico predictors for this gene do not accurately predict pathogenicity. Since supporting evidence is limited at this time, the clinical significance of this alteration remains unclear.

Fulgent Genetics
Classification: Uncertain significance for Colorectal cancer; Hepatocellular carcinoma; Desmoid disease, hereditary; Familial adenomatous polyposis 1; Gastric cancer; Gastric adenocarcinoma and proximal polyposis of the stomach. Last evaluated: 2021-08-03. Review status: criteria provided, single submitter. Criteria: ACMG Guidelines, 2015. Collection method: clinical testing. Allele origin: unknown.